The following is an entry in ClinVar:

NM_022916.6(VPS33A):c.208C>G (p.Arg70Gly)

Gene: VPS33A (VPS33A core subunit of CORVET and HOPS complexes; minus strand). Cytogenetic location: 12q24.31.
Variant type: single nucleotide variant.
Coding change: c.208C>G on transcript NM_022916.6 (MANE Select); coding-DNA position 208, C replaced by G.
Protein change: p.Arg70Gly; replaces arginine 70 with glycine.
Molecular consequence: missense variant.
Genome position (GRCh38, 1-based): chr12:122,263,660, G>C on the plus strand (C>G on the coding strand, the complement: VPS33A is on the minus strand). VCF-style: chr12-122263660-G-C. GRCh37 (hg19) VCF-style: chr12-122748207-G-C.
Other names: c.175C>G, p.Arg59Gly (NM_001351018.2); c.160C>G, p.Arg54Gly (NM_001351019.2); c.208C>G, p.Arg70Gly (NM_001351020.2, NM_001351021.2); short protein forms R54G, R59G, R70G.
Identifiers: ClinVar variation 2192689 (VCV002192689.4), dbSNP rs150472752, ClinGen allele CA6844670.

ClinVar aggregate classification (germline): Uncertain significance (1 of 4 stars; one submission).

Allele frequency attached by ClinVar (database versions not stated): ESP Exome Variant Server 0.00023; gnomAD 0.00025; 1000 Genomes Project 0.00060; 1000 Genomes Project 30x 0.00078.
gnomAD v4.1: 77 of 1,612,978 alleles (0.0048%); highest among the groups gnomAD compares: African/African-American, 0.095%; no homozygotes.

Submission:

Labcorp Genetics (formerly Invitae), Labcorp
Classification: Uncertain significance. Last evaluated: 2022-02-04. Review status: criteria provided, single submitter. Criteria: Invitae Variant Classification Sherloc (09022015). Collection method: clinical testing. Allele origin: germline.
Comment: This variant has not been reported in the literature in individuals affected with VPS33A-related conditions. In summary, the available evidence is currently insufficient to determine the role of this variant in disease. Therefore, it has been classified as a Variant of Uncertain Significance. Algorithms developed to predict the effect of missense changes on protein structure and function (SIFT, PolyPhen-2, Align-GVGD) all suggest that this variant is likely to be tolerated. This variant is present in population databases (rs150472752, gnomAD 0.1%). This sequence change replaces arginine, which is basic and polar, with glycine, which is neutral and non-polar, at codon 70 of the VPS33A protein (p.Arg70Gly).